The following is an entry in ClinVar:

ClinVar aggregate classification (germline): Uncertain significance (1 of 4 stars; one submission).

Submission:

Ambry Genetics
Classification: Uncertain significance. Last evaluated: 2024-10-17. Review status: criteria provided, single submitter. Criteria: Ambry Variant Classification Scheme 2023. Collection method: clinical testing. Allele origin: germline.
Comment: The p.S857T variant (also known as c.2569T>A), located in coding exon 1 of the MLH3 gene, results from a T to A substitution at nucleotide position 2569. The serine at codon 857 is replaced by threonine, an amino acid with similar properties. This amino acid position is conserved. In addition, this alteration is predicted to be tolerated by in silico analysis. Based on the available evidence, the clinical significance of this variant remains unclear.

NM_001040108.2(MLH3):c.2569T>A (p.Ser857Thr)

Gene: MLH3 (mutL homolog 3; minus strand). Cytogenetic location: 14q24.3.
Variant type: single nucleotide variant.
Coding change: c.2569T>A on transcript NM_001040108.2 (MANE Select); coding-DNA position 2569, T replaced by A.
Protein change: p.Ser857Thr; replaces serine 857 with threonine.
Molecular consequence: missense variant.
Genome position (GRCh38, 1-based): chr14:75,047,087, A>T on the plus strand (T>A on the coding strand, the complement: MLH3 is on the minus strand). VCF-style: chr14-75047087-A-T. GRCh37 (hg19) VCF-style: chr14-75513790-A-T.
Other names: c.2569T>A, p.Ser857Thr (NM_014381.3); short protein forms S857T.
Identifiers: ClinVar variation 3396748 (VCV003396748.1).